The following is an entry in ClinVar:

ClinVar aggregate classification (germline): Uncertain significance (1 of 4 stars; one submission).

Conditions:
LAMA2-related muscular dystrophy (LAMA2-RD). Also called: Laminin alpha 2-related dystrophy. Identifiers: MedGen C5679788, MONDO:0100228.

Submission:

Labcorp Genetics (formerly Invitae), Labcorp
Classification: Uncertain significance for LAMA2-related muscular dystrophy. Last evaluated: 2021-03-22. Review status: criteria provided, single submitter. Criteria: Invitae Variant Classification Sherloc (09022015). Collection method: clinical testing. Allele origin: germline.
Comment: This variant has not been reported in the literature in individuals with LAMA2-related conditions. In summary, the available evidence is currently insufficient to determine the role of this variant in disease. Therefore, it has been classified as a Variant of Uncertain Significance. Advanced modeling of protein sequence and biophysical properties (such as structural, functional, and spatial information, amino acid conservation, physicochemical variation, residue mobility, and thermodynamic stability) performed at Invitae indicates that this missense variant is not expected to disrupt LAMA2 protein function. This variant is not present in population databases (ExAC no frequency). This sequence change replaces isoleucine with phenylalanine at codon 2808 of the LAMA2 protein (p.Ile2808Phe). The isoleucine residue is moderately conserved and there is a small physicochemical difference between isoleucine and phenylalanine.

NM_000426.4(LAMA2):c.8422A>T (p.Ile2808Phe)

Gene: LAMA2 (laminin subunit alpha 2; plus strand). Cytogenetic location: 6q22.33.
Variant type: single nucleotide variant.
Coding change: c.8422A>T on transcript NM_000426.4 (MANE Select); coding-DNA position 8422, A replaced by T.
Protein change: p.Ile2808Phe; replaces isoleucine 2808 with phenylalanine.
Molecular consequence: missense variant.
Genome position (GRCh38, 1-based): chr6:129,503,155, A>T. VCF-style: chr6-129503155-A-T. GRCh37 (hg19) VCF-style: chr6-129824300-A-T.
Other names: c.8410A>T, p.Ile2804Phe (NM_001079823.2); short protein forms I2804F, I2808F.
Identifiers: ClinVar variation 1518356 (VCV001518356.8), dbSNP rs2114891107, ClinGen allele CA365634095.
Genomic context (GRCh38, chr6:129,503,155, plus strand): 5'-ACAATTGAGTTGGAAGTAAGAACCGAAGCTGAATCCGGCTTGCTTTTTTACATGGCTCGC[A>T]TCAATCATGCTGATTTTGCAACAGTTCAGCTGAGAAATGGATTGCCCTACTTCAGCTATG-3'
Protein context (NP_000417.3, residues 2798-2818): ESGLLFYMAR[Ile2808Phe]NHADFATVQL